The following is an entry in ClinVar:

NM_000130.5(F5):c.5378G>T (p.Arg1793Ile)

Gene: F5 (coagulation factor V; minus strand). Cytogenetic location: 1q24.2.
Variant type: single nucleotide variant.
Coding change: c.5378G>T on transcript NM_000130.5 (MANE Select); coding-DNA position 5378, G replaced by T.
Protein change: p.Arg1793Ile; replaces arginine 1793 with isoleucine.
Molecular consequence: missense variant.
Genome position (GRCh38, 1-based): chr1:169,529,649, C>A on the plus strand (G>T on the coding strand, the complement: F5 is on the minus strand). VCF-style: chr1-169529649-C-A. GRCh37 (hg19) VCF-style: chr1-169498887-C-A.
Other names: short protein forms R1793I.
Identifiers: ClinVar variation 3091475 (VCV003091475.3), dbSNP rs1462705061, ClinGen allele CA343129543.

ClinVar aggregate classification (germline): Uncertain significance. Review status: criteria provided, multiple submitters, no conflicts (2 of 4 stars). 2 submissions from 2 submitters: Uncertain significance (2). Last evaluated 2025-10-28.

Conditions:
Inborn genetic diseases. Identifiers: MedGen C0950123, MeSH D030342.
F5-related disorder. Also called: F5-related condition.

Allele frequency attached by ClinVar (database versions not stated): TOPMed below 0.00001; gnomAD 0.00001.
gnomAD v4.1: 5 of 1,613,706 alleles (0.00031%); highest among the groups gnomAD compares: East Asian, 0.011%; no homozygotes.

Submissions (2):

PreventionGenetics, part of Exact Sciences
Classification: Uncertain significance for F5-related condition. Last evaluated: 2025-10-28. Review status: criteria provided, single submitter. Criteria: ACMG Guidelines, 2015. Collection method: clinical testing. Allele origin: germline.
Comment: The F5 c.5378G>T variant is predicted to result in the amino acid substitution p.Arg1793Ile. This variant was identified in the control group of an FV deficiency cohort study (Chang et al. 2022. PubMed ID: 35755047). This variant is reported in 0.020% of alleles in individuals of East Asian descent in gnomAD. At this time, the clinical significance of this variant is uncertain due to the absence of conclusive functional and genetic evidence.

Ambry Genetics
Classification: Uncertain significance for Inborn genetic diseases. Last evaluated: 2024-01-31. Review status: criteria provided, single submitter. Criteria: Ambry Variant Classification Scheme 2023. Collection method: clinical testing. Allele origin: germline.